The following is an entry in ClinVar:

NM_006904.7(PRKDC):c.593G>A (p.Arg198His)

Gene: PRKDC (protein kinase, DNA-activated, catalytic subunit; minus strand). Cytogenetic location: 8q11.21.
Variant type: single nucleotide variant.
Coding change: c.593G>A on transcript NM_006904.7 (MANE Select); coding-DNA position 593, G replaced by A.
Protein change: p.Arg198His; replaces arginine 198 with histidine.
Molecular consequence: missense variant.
Genome position (GRCh38, 1-based): chr8:47,953,835, C>T on the plus strand (G>A on the coding strand, the complement: PRKDC is on the minus strand). VCF-style: chr8-47953835-C-T. GRCh37 (hg19) VCF-style: chr8-48866395-C-T.
Other names: c.593G>A (NM_006904.6); c.593G>A, p.Arg198His (NM_001081640.2); short protein forms R198H.
Identifiers: ClinVar variation 1046545 (VCV001046545.8), dbSNP rs368974848, ClinGen allele CA4741989.

ClinVar aggregate classification (germline): Uncertain significance. Review status: criteria provided, multiple submitters, no conflicts (2 of 4 stars). 4 submissions from 4 submitters: Uncertain significance (4). Last evaluated 2025-09-28.

Conditions:
Severe combined immunodeficiency due to DNA-PKcs deficiency. Also called: IMMUNODEFICIENCY 26 WITH NEUROLOGIC ABNORMALITIES; Immunodeficiency 26 with or without neurologic abnormalities. Identifiers: Orphanet 317425, MedGen C4014833, MONDO:0014423, OMIM 615966.

Allele frequency attached by ClinVar (database versions not stated): TOPMed 0.00005; ExAC 0.00018; gnomAD exomes 0.00006; gnomAD 0.00007; ESP Exome Variant Server 0.00008.
gnomAD v4.1: 201 of 1,571,434 alleles (0.013%); highest among the groups gnomAD compares: Non-Finnish European, 0.016%; no homozygotes.

Submissions (4):

Ambry Genetics
Classification: Uncertain significance. Last evaluated: 2025-09-28. Review status: criteria provided, single submitter. Criteria: Ambry Variant Classification Scheme 2023. Collection method: clinical testing. Allele origin: germline.

GeneDx
Classification: Uncertain significance. Last evaluated: 2024-07-02. Review status: criteria provided, single submitter. Criteria: GeneDx Variant Classification Process June 2021. Collection method: clinical testing. Allele origin: germline. Affected: yes.
Comment: In silico analysis indicates that this missense variant does not alter protein structure/function; Has not been previously published as pathogenic or benign to our knowledge

Women's Health and Genetics/Laboratory Corporation of America, LabCorp
Classification: Uncertain significance. Last evaluated: 2023-07-27. Review status: criteria provided, single submitter. Criteria: LabCorp Variant Classification Summary - May 2015. Collection method: clinical testing. Allele origin: germline.
Comment: Variant summary: PRKDC c.593G>A (p.Arg198His) results in a non-conservative amino acid change located in the DNA-PKcs, N-terminal domain (IPR046804) of the encoded protein sequence. Four of five in-silico tools predict a damaging effect of the variant on protein function. The variant allele was found at a frequency of 5.9e-05 in 187858 control chromosomes (gnomAD). This frequency is not significantly higher than estimated for a pathogenic variant in PRKDC causing Severe Combined Immunodeficiency (5.9e-05 vs 0.00035), allowing no conclusion about variant significance. To our knowledge, no occurrence of c.593G>A in individuals affected with Severe Combined Immunodeficiency and no experimental evidence demonstrating its impact on protein function have been reported. Two submitters have cited clinical-significance assessments for this variant to ClinVar after 2014 and both classified the variant as uncertain significance. Based on the evidence outlined above, the variant was classified as uncertain significance.

Labcorp Genetics (formerly Invitae), Labcorp
Classification: Uncertain significance for Severe combined immunodeficiency due to DNA-PKcs deficiency. Last evaluated: 2022-10-13. Review status: criteria provided, single submitter. Criteria: Invitae Variant Classification Sherloc (09022015). Collection method: clinical testing. Allele origin: germline.
Comment: This sequence change replaces arginine, which is basic and polar, with histidine, which is basic and polar, at codon 198 of the PRKDC protein (p.Arg198His). The frequency data for this variant in the population databases is considered unreliable, as metrics indicate poor data quality at this position in the gnomAD database. This variant has not been reported in the literature in individuals affected with PRKDC-related conditions. ClinVar contains an entry for this variant (Variation ID: 1046545). Advanced modeling of protein sequence and biophysical properties (such as structural, functional, and spatial information, amino acid conservation, physicochemical variation, residue mobility, and thermodynamic stability) has been performed at Invitae for this missense variant, however the output from this modeling did not meet the statistical confidence thresholds required to predict the impact of this variant on PRKDC protein function. In summary, the available evidence is currently insufficient to determine the role of this variant in disease. Therefore, it has been classified as a Variant of Uncertain Significance.